The following is an entry in ClinVar:

NM_014991.6(WDFY3):c.401C>T (p.Ala134Val)

Gene: WDFY3 (WD repeat and FYVE domain containing 3; minus strand). Cytogenetic location: 4q21.23.
Variant type: single nucleotide variant.
Coding change: c.401C>T on transcript NM_014991.6 (MANE Select); coding-DNA position 401, C replaced by T.
Protein change: p.Ala134Val; replaces alanine 134 with valine.
Molecular consequence: missense variant.
Genome position (GRCh38, 1-based): chr4:84,841,167, G>A on the plus strand (C>T on the coding strand, the complement: WDFY3 is on the minus strand). VCF-style: chr4-84841167-G-A. GRCh37 (hg19) VCF-style: chr4-85762320-G-A.
Other names: short protein forms A134V.
Identifiers: ClinVar variation 3044687 (VCV003044687.2), dbSNP rs2535286360, ClinGen allele CA357547291.

ClinVar aggregate classification (germline): Uncertain significance (0 of 4 stars; one submission).

Conditions:
WDFY3-related disorder.

Submission:

PreventionGenetics, part of Exact Sciences
Classification: Uncertain significance for WDFY3-related condition. Last evaluated: 2023-10-23. Review status: no assertion criteria provided. Collection method: clinical testing. Allele origin: germline.
Comment: The WDFY3 c.401C>T variant is predicted to result in the amino acid substitution p.Ala134Val. To our knowledge, this variant has not been reported in the literature or in a large population database, indicating this variant is rare. At this time, the clinical significance of this variant is uncertain due to the absence of conclusive functional and genetic evidence.